The following is an entry in ClinVar:

ClinVar aggregate classification (germline): Likely benign. Review status: criteria provided, multiple submitters, no conflicts (2 of 4 stars). 4 submissions from 4 submitters: Likely benign (4). Last evaluated 2026-09-01.

Conditions:
Hereditary sensory neuropathy-deafness-dementia syndrome. Also called: Hereditary sensory neuropathy type IE; HSN IE; Hereditary Sensory and Autonomic Neuropathy Type 1E (HSAN1E); NEUROPATHY, HEREDITARY SENSORY, WITH HEARING LOSS AND DEMENTIA. Identifiers: Orphanet 456318, MedGen C3279885, MONDO:0013584, OMIM 614116.

Allele frequency attached by ClinVar (database versions not stated): ESP Exome Variant Server 0.00008; gnomAD 0.00008 and 0.00009; TOPMed 0.00008; gnomAD exomes 0.00012 and 0.00016; 1000 Genomes Project 30x 0.00016; 1000 Genomes Project 0.00020; ExAC 0.00023.
gnomAD v4.1: 189 of 1,613,820 alleles (0.012%); highest among the groups gnomAD compares: Non-Finnish European, 0.015%; no homozygotes.

Submissions (4):

CeGaT Center for Human Genetics Tuebingen
Classification: Likely benign. Last evaluated: 2026-09-01. Review status: criteria provided, single submitter. Criteria: CeGaT Center For Human Genetics Tuebingen Variant Classification Criteria Version 2. Collection method: clinical testing. Allele origin: germline. Affected: yes. Observed: 3 variant alleles.
Comment: DNMT1: BP4, BP7

Labcorp Genetics (formerly Invitae), Labcorp
Classification: Likely benign for Hereditary sensory neuropathy-deafness-dementia syndrome. Last evaluated: 2026-01-29. Review status: criteria provided, single submitter. Criteria: Invitae Variant Classification Sherloc (09022015). Collection method: clinical testing. Allele origin: germline.

Blueprint Genetics
Classification: Likely benign. Last evaluated: 2024-08-15. Review status: criteria provided, single submitter. Criteria: ACMG Guidelines, 2015. Collection method: clinical testing. Allele origin: germline.

GeneDx
Classification: Likely benign. Last evaluated: 2020-12-04. Review status: criteria provided, single submitter. Criteria: GeneDx Variant Classification Process June 2021. Collection method: clinical testing. Allele origin: germline. Affected: yes.

NM_001130823.3(DNMT1):c.390A>G (p.Lys130=)

Gene: DNMT1 (DNA methyltransferase 1; minus strand). Cytogenetic location: 19p13.2.
Variant type: single nucleotide variant.
Coding change: c.390A>G on transcript NM_001130823.3 (MANE Select); coding-DNA position 390, A replaced by G.
Protein change: p.Lys130=; no amino-acid change (lysine 130 retained).
Molecular consequence: synonymous variant.
Genome position (GRCh38, 1-based): chr19:10,180,405, T>C on the plus strand (A>G on the coding strand, the complement: DNMT1 is on the minus strand). VCF-style: chr19-10180405-T-C. GRCh37 (hg19) VCF-style: chr19-10291081-T-C.
Other names: c.390A>G, p.Lys130= (NM_001318730.2, NM_001379.4); c.27A>G, p.Lys9= (NM_001318731.2); c.390A>G (LRG_362t1).
Identifiers: ClinVar variation 539622 (VCV000539622.51), dbSNP rs373499917, ClinGen allele CA9188769.